The following is an entry in ClinVar:

NM_004517.4(ILK):c.12T>A (p.Ile4=)

Genes: ILK (integrin linked kinase; plus strand), LOC130005201 (ATAC-STARR-seq lymphoblastoid active region 4345; plus strand). Cytogenetic location: 11p15.4.
Variant type: single nucleotide variant.
Coding change: c.12T>A on transcript NM_004517.4 (MANE Select); coding-DNA position 12, T replaced by A.
Protein change: p.Ile4=; no amino-acid change (isoleucine 4 retained).
Molecular consequence: synonymous variant. On other transcripts: 5 prime UTR variant (1).
Genome position (GRCh38, 1-based): chr11:6,604,283, T>A. VCF-style: chr11-6604283-T-A. GRCh37 (hg19) VCF-style: chr11-6625513-T-A.
Other names: c.12T>A, p.Ile4= (NM_001014794.3, NM_001014795.3, NM_001278441.2); c.-225T>A (NM_001278442.2).
Identifiers: ClinVar variation 386645 (VCV000386645.6), dbSNP rs747409130, ClinGen allele CA5857906.

ClinVar aggregate classification (germline): Likely benign. Review status: criteria provided, multiple submitters, no conflicts (2 of 4 stars). 2 submissions from 2 submitters: Likely benign (2). Last evaluated 2022-02-12.

Conditions:
Primary familial hypertrophic cardiomyopathy (HCM). Identifiers: Orphanet 99739, MedGen C0949658, MeSH D024741, MONDO:0024573. Inheritance: Various modes of inheritance.

Allele frequency attached by ClinVar (database versions not stated): gnomAD 0.00001; gnomAD exomes 0.00001; TOPMed 0.00001; ExAC 0.00002.

Submissions (2):

Labcorp Genetics (formerly Invitae), Labcorp
Classification: Likely benign for Primary familial hypertrophic cardiomyopathy. Last evaluated: 2022-02-12. Review status: criteria provided, single submitter. Criteria: Invitae Variant Classification Sherloc (09022015). Collection method: clinical testing. Allele origin: germline.

GeneDx
Classification: Likely benign. Last evaluated: 2016-05-31. Review status: criteria provided, single submitter. Criteria: GeneDx Variant Classification (06012015). Collection method: clinical testing. Allele origin: germline. Affected: yes.
Comment: This variant is considered likely benign or benign based on one or more of the following criteria: it is a conservative change, it occurs at a poorly conserved position in the protein, it is predicted to be benign by multiple in silico algorithms, and/or has population frequency not consistent with disease.